The following is an entry in ClinVar:

ClinVar aggregate classification (germline): Likely pathogenic (1 of 4 stars; one submission).

Conditions:
Glycine encephalopathy. Also called: Nonketotic hyperglycinemia; Non-ketotic hyperglycinemia. Identifiers: Orphanet 407, MedGen C0751748, MONDO:0011612, HP:0008288.

Submission:

Labcorp Genetics (formerly Invitae), Labcorp
Classification: Likely pathogenic for Glycine encephalopathy. Last evaluated: 2020-10-26. Review status: criteria provided, single submitter. Criteria: Invitae Variant Classification Sherloc (09022015). Collection method: clinical testing. Allele origin: germline.
Comment: In summary, the currently available evidence indicates that the variant is pathogenic, but additional data are needed to prove that conclusively. Therefore, this variant has been classified as Likely Pathogenic. This variant disrupts the p.Gly768 amino acid residue in GLDC. Other variant(s) that disrupt this residue have been determined to be pathogenic (PMID: 28244183, 27362913). This suggests that this residue is clinically significant, and that variants that disrupt this residue are likely to be disease-causing. Advanced modeling of protein sequence and biophysical properties (such as structural, functional, and spatial information, amino acid conservation, physicochemical variation, residue mobility, and thermodynamic stability) performed at Invitae indicates that this missense variant is expected to disrupt GLDC protein function. This variant has not been reported in the literature in individuals with GLDC-related conditions. This variant is not present in population databases (ExAC no frequency). This sequence change replaces glycine with alanine at codon 768 of the GLDC protein (p.Gly768Ala). The glycine residue is highly conserved and there is a small physicochemical difference between glycine and alanine.

Literature cited by the submitters: PubMed 28244183; PubMed 27362913.

NM_000170.3(GLDC):c.2303G>C (p.Gly768Ala)

Gene: GLDC (glycine decarboxylase; minus strand). Cytogenetic location: 9p24.1.
Variant type: single nucleotide variant.
Coding change: c.2303G>C on transcript NM_000170.3 (MANE Select); coding-DNA position 2303, G replaced by C.
Protein change: p.Gly768Ala; replaces glycine 768 with alanine.
Molecular consequence: missense variant.
Genome position (GRCh38, 1-based): chr9:6,554,681, C>G on the plus strand (G>C on the coding strand, the complement: GLDC is on the minus strand). VCF-style: chr9-6554681-C-G. GRCh37 (hg19) VCF-style: chr9-6554681-C-G.
Other names: short protein forms G768A.
Identifiers: ClinVar variation 1067794 (VCV001067794.9), dbSNP rs2129719653, ClinGen allele CA372880032.